The following is an entry in ClinVar:

ClinVar aggregate classification (germline): Likely benign (1 of 4 stars; one submission).

gnomAD v4.1: 55 of 1,614,008 alleles (0.0034%); highest among the groups gnomAD compares: Non-Finnish European, 0.0038%; no homozygotes.

Submission:

CeGaT Center for Human Genetics Tuebingen
Classification: Likely benign. Last evaluated: 2024-09-01. Review status: criteria provided, single submitter. Criteria: CeGaT Center For Human Genetics Tuebingen Variant Classification Criteria Version 2. Collection method: clinical testing. Allele origin: germline. Affected: yes. Observed: 1 variant allele.
Comment: OR4M1: BP4, BP7

NM_001005500.2(OR4M1):c.63G>A (p.Arg21=)

Gene: OR4M1 (olfactory receptor family 4 subfamily M member 1; plus strand). Cytogenetic location: 14q11.2.
Variant type: single nucleotide variant.
Coding change: c.63G>A on transcript NM_001005500.2 (MANE Select); coding-DNA position 63, G replaced by A.
Protein change: p.Arg21=; no amino-acid change (arginine 21 retained).
Molecular consequence: synonymous variant.
Genome position (GRCh38, 1-based): chr14:19,780,385, G>A. VCF-style: chr14-19780385-G-A. GRCh37 (hg19) VCF-style: chr14-20248544-G-A.
Identifiers: ClinVar variation 3388592 (VCV003388592.14).